The following is an entry in ClinVar:

NM_152564.5(VPS13B):c.2485G>A (p.Ala829Thr)

Gene: VPS13B (vacuolar protein sorting 13 homolog B; plus strand). Cytogenetic location: 8q22.2.
Variant type: single nucleotide variant.
Coding change: c.2485G>A on transcript NM_152564.5 (MANE Select); coding-DNA position 2485, G replaced by A.
Protein change: p.Ala829Thr; replaces alanine 829 with threonine.
Molecular consequence: missense variant.
Genome position (GRCh38, 1-based): chr8:99,193,027, G>A. VCF-style: chr8-99193027-G-A. GRCh37 (hg19) VCF-style: chr8-100205255-G-A.
Other names: c.2485G>A, p.Ala829Thr (NM_015243.3, NM_017890.5); short protein forms A829T.
Identifiers: ClinVar variation 95839 (VCV000095839.70), dbSNP rs61753721, ClinGen allele CA148927.
Genomic context (GRCh38, chr8:99,193,027, plus strand): 5'-CAAGCAATATATCAAAGTTGGTCTCATCTTGGAAATGTCAGCTCTTCCGCAGTGATTGAA[G>A]CTTTGATAAATGAAATCTTCCTAAGTATAGGTAAGAGCACAGTCTTTTTGATAACTATAT-3'
Protein context (NP_689777.3, residues 819-839): GNVSSSAVIE[Ala829Thr]LINEIFLSIG

ClinVar aggregate classification (germline): Benign/Likely benign. Review status: criteria provided, multiple submitters, no conflicts (2 of 4 stars). 18 submissions from 18 submitters: Benign (8); Likely benign (5). 5 of the submissions do not count toward it. Last evaluated 2026-09-01.

Conditions:
Inborn genetic diseases. Identifiers: MedGen C0950123, MeSH D030342.
Cohen syndrome (COH1). Also called: PEPPER SYNDROME; Cutis verticis gyrata, retinitis pigmentosa, and sensorineural deafness. Identifiers: Orphanet 193, MedGen C0265223, MONDO:0008999, OMIM 216550.

Allele frequency attached by ClinVar (database versions not stated): ESP Exome Variant Server 0.00869; 1000 Genomes Project 30x 0.00734; gnomAD 0.00825 and 0.00820; gnomAD exomes 0.00867 and 0.01138; 1000 Genomes Project 0.00559; TOPMed 0.00822; ExAC 0.00857.
gnomAD v4.1: 17,846 of 1,613,582 alleles (1.1%); highest among the groups gnomAD compares: Non-Finnish European, 1.3%; 129 homozygotes.

Submissions (18):

CeGaT Center for Human Genetics Tuebingen
Classification: Benign. Last evaluated: 2026-09-01. Review status: criteria provided, single submitter. Criteria: CeGaT Center For Human Genetics Tuebingen Variant Classification Criteria Version 2. Collection method: clinical testing. Allele origin: germline. Affected: yes. Observed: 48 variant alleles.
Comment: VPS13B: BP4, BS1, BS2

Labcorp Genetics (formerly Invitae), Labcorp
Classification: Benign for Cohen syndrome. Last evaluated: 2026-02-04. Review status: criteria provided, single submitter. Criteria: Invitae Variant Classification Sherloc (09022015). Collection method: clinical testing. Allele origin: germline.

Women's Health and Genetics/Laboratory Corporation of America, LabCorp
Classification: Likely benign. Last evaluated: 2026-01-22. Review status: criteria provided, single submitter. Criteria: LabCorp Variant Classification Summary - May 2015. Collection method: clinical testing. Allele origin: germline.

Blueprint Genetics
Classification: Likely benign. Last evaluated: 2024-11-27. Review status: criteria provided, single submitter. Criteria: ACMG Guidelines, 2015. Collection method: clinical testing. Allele origin: germline.

Mayo Clinic Laboratories, Mayo Clinic
Classification: Benign. Last evaluated: 2023-02-24. Review status: criteria provided, single submitter. Criteria: ACMG Guidelines, 2015. Collection method: clinical testing. Allele origin: germline. Observed: 24 variant alleles.
Comment: BS1, BS2, BP4_strong

GeneDx
Classification: Benign. Last evaluated: 2018-08-01. Review status: criteria provided, single submitter. Criteria: GeneDx Variant Classification Process June 2021. Collection method: clinical testing. Allele origin: germline. Affected: yes.
Comment: This variant is associated with the following publications: (PMID: 16648375, 19006247)

Athena Diagnostics
Classification: Likely benign. Last evaluated: 2017-09-28. Review status: criteria provided, single submitter. Criteria: Athena Diagnostics Criteria. Collection method: clinical testing. Allele origin: germline.

Illumina Laboratory Services, Illumina
Classification: Benign for Cohen syndrome. Last evaluated: 2017-04-27. Review status: criteria provided, single submitter. Criteria: ICSL Variant Classification Criteria 13 December 2019. Collection method: clinical testing. Allele origin: germline.
Comment: This variant was observed as part of a predisposition screen in an ostensibly healthy population. A literature search was performed for the gene, cDNA change, and amino acid change (where applicable). Publications were found based on this search. The evidence from the literature, in combination with allele frequency data from public databases where available, was sufficient to rule this variant out of causing disease. Therefore, this variant is classified as benign.

Ambry Genetics
Classification: Benign for Inborn genetic diseases. Last evaluated: 2017-04-07. Review status: criteria provided, single submitter. Criteria: Ambry Variant Classification Scheme 2023. Collection method: clinical testing. Allele origin: germline.

Center for Pediatric Genomic Medicine, Children's Mercy Hospital and Clinics
Classification: Likely benign. Last evaluated: 2016-11-30. Review status: criteria provided, single submitter. Criteria: ACMG Guidelines, 2015. Collection method: clinical testing. Allele origin: germline.
ClinVar note: Converted during submission from Likely Benign to Likely benign.

Eurofins Ntd Llc (ga)
Classification: Benign. Last evaluated: 2013-03-27. Review status: criteria provided, single submitter. Criteria: EGL Classification Definitions 2015. Collection method: clinical testing. Allele origin: germline. Observed: 1 variant allele, 1 heterozygote.

Breakthrough Genomics
Classification: Likely benign. Review status: criteria provided, single submitter. Criteria: ACMG Guidelines, 2015. Collection method: not provided. Allele origin: germline. Inheritance: Autosomal recessive inheritance. Affected: yes.

PreventionGenetics, part of Exact Sciences
Classification: Benign. Review status: criteria provided, single submitter. Criteria: ACMG Guidelines, 2015. Collection method: clinical testing. Allele origin: germline.

Natera, Inc.
Classification: Benign for Cohen syndrome. Last evaluated: 2019-12-06. Review status: no assertion criteria provided. Collection method: clinical testing. Allele origin: germline. Not counted in ClinVar's aggregate classification.

Clinical Genetics DNA and cytogenetics Diagnostics Lab, Erasmus MC, Erasmus Medical Center
Classification: Likely benign. Review status: no assertion criteria provided. Collection method: clinical testing. Allele origin: germline. Affected: yes. Study: VKGL Data-share Consensus. Not counted in ClinVar's aggregate classification.

Genetic Services Laboratory, University of Chicago
Classification: Likely benign for AllHighlyPenetrant. Review status: no assertion criteria provided. Collection method: clinical testing. Allele origin: germline. Inheritance: Autosomal recessive inheritance. Not counted in ClinVar's aggregate classification.
Comment: Likely benign based on allele frequency in 1000 Genomes Project or ESP global frequency and its presence in a patient with a rare or unrelated disease phenotype. NOT Sanger confirmed.

Joint Genome Diagnostic Labs from Nijmegen and Maastricht, Radboudumc and MUMC+
Classification: Benign. Review status: no assertion criteria provided. Collection method: clinical testing. Allele origin: germline. Affected: yes. Study: VKGL Data-share Consensus. Not counted in ClinVar's aggregate classification.

Laboratory of Diagnostic Genome Analysis, Leiden University Medical Center (LUMC)
Classification: Likely benign. Review status: no assertion criteria provided. Collection method: clinical testing. Allele origin: germline. Affected: yes. Study: VKGL Data-share Consensus. Not counted in ClinVar's aggregate classification.

Literature cited by the submitters: PubMed 16648375 (cited by Athena Diagnostics and Illumina Laboratory Services, Illumina); PubMed 19006247 (cited by Athena Diagnostics and Illumina Laboratory Services, Illumina); PubMed 20683995 (cited by Illumina Laboratory Services, Illumina).